The following is an entry in ClinVar:

NM_000212.3(ITGB3):c.401del (p.Glu134fs)

Gene: ITGB3 (integrin subunit beta 3; plus strand). Cytogenetic location: 17q21.32.
Variant type: Deletion.
Coding change: c.401del on transcript NM_000212.3 (MANE Select); coding-DNA position 401, one base deleted (A; older notation c.401delA).
Protein change: p.Glu134fs; shifts the reading frame from glutamic acid 134.
Molecular consequence: frameshift variant.
Genome position (GRCh38, 1-based): chr17:47,284,482, A deleted. VCF-style (leftmost placement, unchanged base first): chr17-47284481-GA-G. GRCh37 (hg19) VCF-style: chr17-45361847-GA-G.
Other names: NM_000212.3:c.401del; short protein forms E134fs.
Identifiers: ClinVar variation 1879016 (VCV001879016.1), dbSNP rs2547616302, ClinGen allele CA915940222.

ClinVar aggregate classification (germline): Pathogenic (3 of 4 stars; one submission).

Conditions:
Glanzmann thrombasthenia. Also called: PLATELET GLYCOPROTEIN IIb-IIIa DEFICIENCY; BLEEDING DISORDER, PLATELET-TYPE, 2; THROMBASTHENIA OF GLANZMANN AND NAEGELI; Thrombasthenia; Glanzmann's thrombasthenia. Identifiers: Orphanet 849, MedGen C0040015, MONDO:0100326.

Submission:

ClinGen Platelet Disorders Variant Curation Expert Panel, ClinGen
Classification: Pathogenic for Glanzmann thrombasthenia. Last evaluated: 2022-11-15. Review status: reviewed by expert panel. Criteria: ClinGen Platelet ACMG Specifications v2-1. Collection method: curation. Allele origin: germline. Inheritance: Autosomal recessive inheritance.
Comment: The c.401del (p.Glu134GlyfsTer10) variant in exon 4 is a nonsense variant predicted to cause a premature stop codon in biologically-relevant-exon 4 and is predicted to lead to nonsense mediated decay in a gene in which loss-of-function is an established disease mechanism (PVS1). This variant has been detected in at least 1 proband with Glanzmann thrombasthenia. This proband was homozygous for the variant (PMID: 3102915; PM3_Supporting). This variant is also absent from gnomAD v2.1.1 (PM2_Supporting). In summary, this variant meets the criteria to be classified as Pathogenic for autosomal recessive Glanzmann Thrombasthenia based on the ACMG/AMP criteria applied, as specified by the ClinGen PD VCEP: PVS1, PM3_Supporting, PM2_Supporting (VCEP specifications version 2.1).